The following is an entry in ClinVar:

ClinVar aggregate classification (germline): Pathogenic (1 of 4 stars; one submission).

Submission:

GeneDx
Classification: Pathogenic. Last evaluated: 2016-07-25. Review status: criteria provided, single submitter. Criteria: GeneDx Variant Classification (06012015). Collection method: clinical testing. Allele origin: germline. Affected: yes.
Comment: A novel G856E pathogenic variant was identified in the COL1A2 gene. It has not been published as a pathogenic variant, nor has it been reported as a benign variant to our knowledge. G856E occurs in the triple helical domain and replaces the Glycine in the canonical Gly-X-Y repeat. Mutations in these Glycines result in poor winding of the collagen triple helix and a less functional protein. The G856E variant was not observed in approximately 6500 individuals of European and African American ancestry in the NHLBI Exome Sequencing Project, indicating it is not a common benign variant in these populations. The G856E variant is a non-conservative amino acid substitution, which is likely to impact secondary protein structure as these residues differ in polarity, charge, size and/or other properties. This substitution occurs at a position that is conserved across species. In silico analysis predicts this variant is probably damaging to the protein structure/function. Missense variants in the same Glycine residue (G856R/V) and in nearby Glycine residues (G853D/V, G859S) and have been reported in the Human Gene Mutation Database in association with osteogenesis imperfecta (Stenson et al., 2014), supporting the functional importance of this region of the protein.

NM_000089.4(COL1A2):c.2567G>A (p.Gly856Glu)

Gene: COL1A2 (collagen type I alpha 2 chain; plus strand). Cytogenetic location: 7q21.3.
Variant type: single nucleotide variant.
Coding change: c.2567G>A on transcript NM_000089.4 (MANE Select); coding-DNA position 2567, G replaced by A.
Protein change: p.Gly856Glu; replaces glycine 856 with glutamic acid.
Molecular consequence: missense variant.
Genome position (GRCh38, 1-based): chr7:94,424,337, G>A. VCF-style: chr7-94424337-G-A. GRCh37 (hg19) VCF-style: chr7-94053649-G-A.
Other names: short protein forms G856E.
Identifiers: ClinVar variation 265639 (VCV000265639.2), dbSNP rs886039689, ClinGen allele CA10588444.